The following is an entry in ClinVar:

NM_001376.5(DYNC1H1):c.2133C>T (p.Leu711=)

Gene: DYNC1H1 (dynein cytoplasmic 1 heavy chain 1; plus strand). Cytogenetic location: 14q32.31.
Variant type: single nucleotide variant.
Coding change: c.2133C>T on transcript NM_001376.5 (MANE Select); coding-DNA position 2133, C replaced by T.
Protein change: p.Leu711=; no amino-acid change (leucine 711 retained).
Molecular consequence: synonymous variant.
Genome position (GRCh38, 1-based): chr14:101,986,358, C>T. VCF-style: chr14-101986358-C-T. GRCh37 (hg19) VCF-style: chr14-102452695-C-T.
Identifiers: ClinVar variation 701509 (VCV000701509.12), dbSNP rs774360588, ClinGen allele CA7351771.
Genomic context (GRCh38, chr14:101,986,358, plus strand): 5'-GAAGCTCAACACGCAGGAGATCTTTGATGACTGGGCAAGGAAGGTGCAGCAGCGCAACCT[C>T]GGTGTCTCGGGGCGCATTTTCACCATCGAAAGTACTCGGGTTCGGGGCCGAACTGGAAAT-3'
Protein context (NP_001367.2, residues 701-721): DWARKVQQRN[Leu711=]GVSGRIFTIE

ClinVar aggregate classification (germline): Likely benign. Review status: criteria provided, multiple submitters, no conflicts (2 of 4 stars). 3 submissions from 3 submitters: Likely benign (3). Last evaluated 2025-10-24.

Conditions:
DYNC1H1-related disorder. Also called: DYNC1H1-related disorders; DYNC1H1-related condition. Identifiers: MedGen CN381529.
Charcot-Marie-Tooth disease axonal type 2O. Also called: Charcot-Marie-Tooth disease, axonal, type 20; CHARCOT-MARIE-TOOTH NEUROPATHY, AXONAL, TYPE 2O; CHARCOT-MARIE-TOOTH DISEASE, AXONAL, AUTOSOMAL DOMINANT, TYPE 2O; Charcot-Marie-Tooth Neuropathy Type 2O. Identifiers: Orphanet 284232, MedGen C3280220, MONDO:0013644, OMIM 614228.

Allele frequency attached by ClinVar (database versions not stated): gnomAD exomes below 0.00001 and 0.00001; ExAC 0.00001; TOPMed 0.00002; gnomAD 0.00002.
gnomAD v4.1: 9 of 1,613,938 alleles (0.00056%); highest among the groups gnomAD compares: Admixed American, 0.0017%; no homozygotes.

Submissions (3):

Labcorp Genetics (formerly Invitae), Labcorp
Classification: Likely benign for Charcot-Marie-Tooth disease axonal type 2O. Last evaluated: 2025-10-24. Review status: criteria provided, single submitter. Criteria: Invitae Variant Classification Sherloc (09022015). Collection method: clinical testing. Allele origin: germline.

PreventionGenetics, part of Exact Sciences
Classification: Likely benign for DYNC1H1-related condition. Last evaluated: 2024-10-14. Review status: criteria provided, single submitter. Criteria: ACMG Guidelines, 2015. Collection method: clinical testing. Allele origin: germline.
Comment: This variant is classified as likely benign based on ACMG/AMP sequence variant interpretation guidelines (Richards et al. 2015 PMID: 25741868, with internal and published modifications).

Blueprint Genetics
Classification: Likely benign. Last evaluated: 2024-07-17. Review status: criteria provided, single submitter. Criteria: ACMG Guidelines, 2015. Collection method: clinical testing. Allele origin: germline.